The following is an entry in ClinVar:

ClinVar aggregate classification (germline): Pathogenic/Likely pathogenic. Review status: criteria provided, multiple submitters, no conflicts (2 of 4 stars). 4 submissions from 4 submitters: Pathogenic (3); Likely pathogenic (1). Last evaluated 2023-01-24.

Conditions:
Leukodystrophy. Identifiers: Orphanet 68356, MedGen C0023520, MONDO:0019046, HP:0002415.
Leukodystrophy, hypomyelinating, 7, with or without oligodontia and/or hypogonadotropic hypogonadism (HLD7). Also called: LEUKODYSTROPHY, HYPOMYELINATING, 7, WITH OLIGODONTIA; LEUKODYSTROPHY, HYPOMYELINATING, 7, WITH OLIGODONTIA AND HYPOGONADOTROPIC HYPOGONADISM; LEUKODYSTROPHY, HYPOMYELINATING, 7, WITHOUT OLIGODONTIA OR HYPOGONADOTROPIC HYPOGONADISM; LEUKOENCEPHALOPATHY, HYPOMYELINATING, WITH ATAXIA AND DELAYED DENTITION; ATAXIA, DELAYED DENTITION, AND HYPOMYELINATION; Ataxia, Delayed Dentition and Hypomyelination (ADDH). Identifiers: Orphanet 137639, Orphanet 447893, Orphanet 447896, Orphanet 77295, Orphanet 88637, MedGen CN034185, MONDO:0011897, OMIM 607694.

Submissions (4):

Broad Center for Mendelian Genomics, Broad Institute of MIT and Harvard
Classification: Pathogenic for Leukodystrophy. Last evaluated: 2023-01-24. Review status: criteria provided, single submitter. Criteria: ACMG Guidelines, 2015. Collection method: curation. Allele origin: germline. Inheritance: Autosomal recessive inheritance.
Comment: The p.Val1315fs variant in POLR3A has been reported in 1 individual, in the compound heterozygous state, with hypomyelinating leukodystrophy (PMID: 28459997), and has been identified in 0.002% (2/113620) of European (Non-Finnish) chromosomes by the Genome Aggregation Database (gnomAD; dbSNP ID: rs901741607). Although this variant has been seen in the general population in a heterozygous state, its frequency is low enough to be consistent with a recessive carrier frequency. This variant has also been reported in ClinVar (Variation ID#: 986804) and has been interpreted as pathogenic by Institute of Medical Genetics and Applied Genomics (University Hospital T√ºbingen) and Invitae. This variant is predicted to cause a frameshift, which alters the protein‚Äôs amino acid sequence beginning at position 1315 and leads to a premature termination codon 7 amino acids downstream. This alteration is then predicted to lead to a truncated or absent protein. Loss of function of the POLR3A gene is an established disease mechanism in autosomal recessive hypomyelinating leukodystrophy. In summary, this variant meets criteria to be classified as pathogenic for autosomal recessive hypomyelinating leukodystrophy. ACMG/AMP Criteria applied: PVS1, PM2_supporting, PM3_supporting (Richards 2015).

Labcorp Genetics (formerly Invitae), Labcorp
Classification: Pathogenic. Last evaluated: 2022-11-15. Review status: criteria provided, single submitter. Criteria: Invitae Variant Classification Sherloc (09022015). Collection method: clinical testing. Allele origin: germline.
Comment: For these reasons, this variant has been classified as Pathogenic. This premature translational stop signal has been observed in individual(s) with spastic ataxia (PMID: 28459997). This variant is present in population databases (no rsID available, gnomAD 0.002%). This sequence change creates a premature translational stop signal (p.Val1315Alafs*7) in the POLR3A gene. It is expected to result in an absent or disrupted protein product. Loss-of-function variants in POLR3A are known to be pathogenic (PMID: 21855841, 25339210, 27612211, 30414627, 30450527).

Molecular Diagnostics Lab, Nemours Children's Health, Delaware
Classification: Likely pathogenic for Leukodystrophy, hypomyelinating, 7, with or without oligodontia and/or hypogonadotropic hypogonadism. Last evaluated: 2020-12-16. Review status: criteria provided, single submitter. Criteria: ACMG Guidelines, 2015. Collection method: clinical testing. Allele origin: unknown. Inheritance: Autosomal recessive inheritance. Affected: yes. Observed: 1 heterozygote.
Comment: This variant (c.3944_3945del, p.Val1315Alafs*7) predicts a framshift to a premature stop. It has not been observed in population databases (gnomAD), but it has been reported in the literature (PMID 28459997).

Institute of Medical Genetics and Applied Genomics, University Hospital Tübingen
Classification: Pathogenic. Last evaluated: 2020-10-23. Review status: criteria provided, single submitter. Criteria: ACMG Guidelines, 2015. Collection method: clinical testing. Allele origin: germline. Inheritance: Autosomal recessive inheritance. Affected: yes.

Literature cited by the submitters: PubMed 28459997 (cited by Labcorp Genetics (formerly Invitae), Labcorp and Molecular Diagnostics Lab, Nemours Children's Health, Delaware); PubMed 21855841 (cited by Labcorp Genetics (formerly Invitae), Labcorp); PubMed 25339210 (cited by Labcorp Genetics (formerly Invitae), Labcorp); PubMed 27612211 (cited by Labcorp Genetics (formerly Invitae), Labcorp); PubMed 30414627 (cited by Labcorp Genetics (formerly Invitae), Labcorp); PubMed 30450527 (cited by Labcorp Genetics (formerly Invitae), Labcorp).

NM_007055.4(POLR3A):c.3944_3945del (p.Val1315fs)

Gene: POLR3A (RNA polymerase III subunit A; minus strand). Cytogenetic location: 10q22.3.
Variant type: Microsatellite.
Coding change: c.3944_3945del on transcript NM_007055.4 (MANE Select); coding-DNA positions 3944 to 3945, 2 bases deleted (TG; older notation c.3944_3945delTG).
Protein change: p.Val1315fs; shifts the reading frame from valine 1315.
Molecular consequence: frameshift variant.
Genome position (GRCh38, 1-based): chr10:77,980,220-77,980,221, CA deleted on the plus strand (TG on the coding strand, the reverse complement: POLR3A is on the minus strand); deleting any 2 consecutive bases within chr10:77,980,220-77,980,224 gives the same sequence; the c. name uses the placement nearest the transcript's 3' end. VCF-style (leftmost placement, unchanged base first): chr10-77980219-GCA-G. GRCh37 (hg19) VCF-style: chr10-79739977-GCA-G.
Other names: NM_007055.4(POLR3A):c.3944_3945del; p.Val1315fs; short protein forms V1315fs.
Identifiers: ClinVar variation 986804 (VCV000986804.11), dbSNP rs1378008503, ClinGen allele CA594426201.